The following is an entry in ClinVar:

ClinVar aggregate classification (germline): Benign/Likely benign. Review status: criteria provided, multiple submitters, no conflicts (2 of 4 stars). 3 submissions from 3 submitters: Benign (1); Likely benign (2). Last evaluated 2026-07-09.

Conditions:
Hereditary cancer-predisposing syndrome. Also called: Tumor predisposition; Neoplastic Syndromes, Hereditary; Hereditary Cancer Syndrome; Hereditary neoplastic syndrome. Identifiers: Orphanet 140162, MedGen C0027672, MeSH D009386, MONDO:0015356.
Rhabdoid tumor predisposition syndrome 2 (RTPS2). Identifiers: Orphanet 231108, Orphanet 69077, MedGen C2750074, MONDO:0013224, OMIM 613325.

Allele frequency attached by ClinVar (database versions not stated): gnomAD exomes below 0.00001.

Submissions (3):

Myriad Genetics, Inc.
Classification: Benign for Rhabdoid tumor predisposition syndrome 2. Last evaluated: 2026-07-09. Review status: criteria provided, single submitter. Criteria: Myriad Autosomal Dominant, Autosomal Recessive and X-Linked Classification Criteria (2023). Collection method: clinical testing. Allele origin: unknown.
Comment: This variant is considered benign. This variant is a silent/synonymous amino acid change and it is not expected to impact splicing.

Labcorp Genetics (formerly Invitae), Labcorp
Classification: Likely benign for Rhabdoid tumor predisposition syndrome 2. Last evaluated: 2024-03-09. Review status: criteria provided, single submitter. Criteria: Invitae Variant Classification Sherloc (09022015). Collection method: clinical testing. Allele origin: germline.

Ambry Genetics
Classification: Likely benign for Hereditary cancer-predisposing syndrome. Last evaluated: 2019-12-26. Review status: criteria provided, single submitter. Criteria: Ambry Variant Classification Scheme 2023. Collection method: clinical testing. Allele origin: germline.

NM_003072.5(SMARCA4):c.460C>T (p.Leu154=)

Gene: SMARCA4 (SWI/SNF related BAF chromatin remodeling complex subunit ATPase 4; plus strand). Cytogenetic location: 19p13.2.
Variant type: single nucleotide variant.
Coding change: c.460C>T on transcript NM_003072.5 (MANE Select); coding-DNA position 460, C replaced by T.
Protein change: p.Leu154=; no amino-acid change (leucine 154 retained).
Molecular consequence: synonymous variant. On other transcripts: non-coding transcript variant (1).
Genome position (GRCh38, 1-based): chr19:10,986,293, C>T. VCF-style: chr19-10986293-C-T. GRCh37 (hg19) VCF-style: chr19-11096969-C-T.
Other names: c.460C>T, p.Leu154= (NM_001128844.3, NM_001128845.2, NM_001128846.2 and 5 more transcripts).
Identifiers: ClinVar variation 470408 (VCV000470408.17), dbSNP rs1555753128, ClinGen allele CA505743859.